The following is an entry in ClinVar:

ClinVar aggregate classification (germline): Conflicting classifications of pathogenicity. Review status: criteria provided, conflicting classifications (1 of 4 stars). 2 submissions from 2 submitters: Likely pathogenic (1); Uncertain significance (1). Last evaluated 2026-08-10.

Conditions:
SLC5A2-related disorder. Also called: SLC5A2-related condition.
Familial renal glucosuria (GLYS). Also called: RENAL GLUCOSURIA, AUTOSOMAL DOMINANT; Familial renal glycosuria. Identifiers: Orphanet 69076, MedGen C3245525, MONDO:0009297, OMIM 233100.

gnomAD v4.1: 76 of 1,613,838 alleles (0.0047%); highest among the groups gnomAD compares: Middle Eastern, 0.016%; no homozygotes.

Submissions (2):

PreventionGenetics, part of Exact Sciences
Classification: Uncertain significance for SLC5A2-related condition. Last evaluated: 2026-08-10. Review status: criteria provided, single submitter. Criteria: ACMG Guidelines, 2015. Collection method: clinical testing. Allele origin: germline.
Comment: The SLC5A2 c.229G>A variant is predicted to result in the amino acid substitution p.Gly77Ser. To our knowledge, this variant has not been reported in the literature. This variant is reported in 0.0080% of alleles in individuals of African descent in gnomAD. At this time, the clinical significance of this variant is uncertain due to the absence of conclusive functional and genetic evidence.

MVZ Medizinische Genetik Mainz
Classification: Likely pathogenic for Familial renal glucosuria. Last evaluated: 2026-04-20. Review status: criteria provided, single submitter. Criteria: UK Practice Guidelines For Variant Classification V4 01 2020. Collection method: clinical testing. Allele origin: germline. Inheritance: Autosomal recessive inheritance. Observed: 1 variant allele.
Comment: ACMG Criteria: PM5,PP3_MOD,PM2_SUP,PP4

NM_003041.4(SLC5A2):c.229G>A (p.Gly77Ser)

Gene: SLC5A2 (solute carrier family 5 member 2; plus strand). Cytogenetic location: 16p11.2.
Variant type: single nucleotide variant.
Coding change: c.229G>A on transcript NM_003041.4 (MANE Select); coding-DNA position 229, G replaced by A.
Protein change: p.Gly77Ser; replaces glycine 77 with serine.
Molecular consequence: missense variant. On other transcripts: non-coding transcript variant (1).
Genome position (GRCh38, 1-based): chr16:31,484,849, G>A. VCF-style: chr16-31484849-G-A. GRCh37 (hg19) VCF-style: chr16-31496170-G-A.
Other names: c.229G>A (NM_003041.3); short protein forms G77S.
Identifiers: ClinVar variation 4852390 (VCV004852390.2).